The following is an entry in ClinVar:

ClinVar aggregate classification (germline): Uncertain significance (1 of 4 stars; one submission).

Submission:

Labcorp Genetics (formerly Invitae), Labcorp
Classification: Uncertain significance. Last evaluated: 2021-12-31. Review status: criteria provided, single submitter. Criteria: Invitae Variant Classification Sherloc (09022015). Collection method: clinical testing. Allele origin: germline.
Comment: This sequence change replaces proline, which is neutral and non-polar, with alanine, which is neutral and non-polar, at codon 1687 of the LTBP2 protein (p.Pro1687Ala). This variant is not present in population databases (gnomAD no frequency). This variant has not been reported in the literature in individuals affected with LTBP2-related conditions. Algorithms developed to predict the effect of missense changes on protein structure and function are either unavailable or do not agree on the potential impact of this missense change (SIFT: "Deleterious"; PolyPhen-2: "Benign"; Align-GVGD: "Class C25"). In summary, the available evidence is currently insufficient to determine the role of this variant in disease. Therefore, it has been classified as a Variant of Uncertain Significance.

NM_000428.3(LTBP2):c.5059C>G (p.Pro1687Ala)

Gene: LTBP2 (latent transforming growth factor beta binding protein 2; minus strand). Cytogenetic location: 14q24.3.
Variant type: single nucleotide variant.
Coding change: c.5059C>G on transcript NM_000428.3 (MANE Select); coding-DNA position 5059, C replaced by G.
Protein change: p.Pro1687Ala; replaces proline 1687 with alanine.
Molecular consequence: missense variant.
Genome position (GRCh38, 1-based): chr14:74,502,764, G>C on the plus strand (C>G on the coding strand, the complement: LTBP2 is on the minus strand). VCF-style: chr14-74502764-G-C. GRCh37 (hg19) VCF-style: chr14-74969467-G-C.
Other names: short protein forms P1687A.
Identifiers: ClinVar variation 2067439 (VCV002067439.4), dbSNP rs2086925768, ClinGen allele CA390383123.